The following is an entry in ClinVar:

ClinVar aggregate classification (germline): Benign/Likely benign. Review status: criteria provided, multiple submitters, no conflicts (2 of 4 stars). 3 submissions from 3 submitters: Benign (1); Likely benign (2). Last evaluated 2024-07-23.

Conditions:
Hereditary cancer-predisposing syndrome. Also called: Neoplastic Syndromes, Hereditary; Tumor predisposition; Hereditary Cancer Syndrome; Hereditary neoplastic syndrome. Identifiers: Orphanet 140162, MedGen C0027672, MeSH D009386, MONDO:0015356.
Familial adenomatous polyposis 1 (FAP1). Also called: FAMILIAL ADENOMATOUS POLYPOSIS 1, ATTENUATED; POLYPOSIS, ADENOMATOUS INTESTINAL. Identifiers: MedGen C2713442, MONDO:0021056, OMIM 175100. Disease mechanism: loss of function.

gnomAD v4.1: 1 of 1,614,140 alleles (0.000062%); highest among the groups gnomAD compares: South Asian, 0.0011%; no homozygotes.

Submissions (3):

Labcorp Genetics (formerly Invitae), Labcorp
Classification: Likely benign for Familial adenomatous polyposis 1. Last evaluated: 2024-07-23. Review status: criteria provided, single submitter. Criteria: Invitae Variant Classification Sherloc (09022015). Collection method: clinical testing. Allele origin: germline.

Myriad Genetics, Inc.
Classification: Benign for Familial adenomatous polyposis 1. Last evaluated: 2024-03-25. Review status: criteria provided, single submitter. Criteria: Myriad Autosomal Dominant, Autosomal Recessive and X-Linked Classification Criteria (2023). Collection method: clinical testing. Allele origin: unknown.
Comment: This variant is considered benign. This variant is a silent/synonymous amino acid change and it is not expected to impact splicing.

Ambry Genetics
Classification: Likely benign for Hereditary cancer-predisposing syndrome. Last evaluated: 2019-12-30. Review status: criteria provided, single submitter. Criteria: Ambry Variant Classification Scheme 2023. Collection method: clinical testing. Allele origin: germline.

NM_000038.6(APC):c.4083C>G (p.Pro1361=)

Gene: APC (APC regulator of Wnt signaling pathway; plus strand). Cytogenetic location: 5q22.2.
Variant type: single nucleotide variant.
Coding change: c.4083C>G on transcript NM_000038.6 (MANE Select); coding-DNA position 4083, C replaced by G.
Protein change: p.Pro1361=; no amino-acid change (proline 1361 retained).
Molecular consequence: synonymous variant. On other transcripts: non-coding transcript variant (2).
Genome position (GRCh38, 1-based): chr5:112,839,677, C>G. VCF-style: chr5-112839677-C-G. GRCh37 (hg19) VCF-style: chr5-112175374-C-G.
Other names: c.4083C>G, p.Pro1361= (NM_001127510.3, NM_001354895.2, NM_001407450.1); c.4029C>G, p.Pro1343= (NM_001127511.3); c.4137C>G, p.Pro1379= (NM_001354896.2, NM_001407447.1, NM_001407448.1 and 1 more transcripts); c.4113C>G, p.Pro1371= (NM_001354897.2); c.4008C>G, p.Pro1336= (NM_001354898.2); c.3999C>G, p.Pro1333= (NM_001354899.2); c.3960C>G, p.Pro1320= (NM_001354900.2); c.3906C>G, p.Pro1302= (NM_001354901.2, NM_001407453.1); and 11 more.
Identifiers: ClinVar variation 1737647 (VCV001737647.4), dbSNP rs1464598628, ClinGen allele CA445964098.